The following is an entry in ClinVar:

ClinVar aggregate classification (germline): Likely benign. Review status: criteria provided, multiple submitters, no conflicts (2 of 4 stars). 2 submissions from 2 submitters: Likely benign (2). Last evaluated 2026-09-01.

Allele frequency attached by ClinVar (database versions not stated): ESP Exome Variant Server 0.00008; gnomAD 0.00011; TOPMed 0.00013; gnomAD exomes 0.00014 and 0.00025; 1000 Genomes Project 30x 0.00016; 1000 Genomes Project 0.00020; ExAC 0.00022.
gnomAD v4.1: 225 of 1,613,162 alleles (0.014%); highest among the groups gnomAD compares: Admixed American, 0.05%; no homozygotes.

Submissions (2):

CeGaT Center for Human Genetics Tuebingen
Classification: Likely benign. Last evaluated: 2026-09-01. Review status: criteria provided, single submitter. Criteria: CeGaT Center For Human Genetics Tuebingen Variant Classification Criteria Version 2. Collection method: clinical testing. Allele origin: germline. Affected: yes. Observed: 3 variant alleles.
Comment: DLL1: BP4, BP7

Labcorp Genetics (formerly Invitae), Labcorp
Classification: Likely benign. Last evaluated: 2026-01-06. Review status: criteria provided, single submitter. Criteria: Invitae Variant Classification Sherloc (09022015). Collection method: clinical testing. Allele origin: germline.

NM_005618.4(DLL1):c.1968C>T (p.Asp656=)

Genes: DLL1 (delta like canonical Notch ligand 1; minus strand), LOC126859913 (P300/CBP strongly-dependent group 1 enhancer GRCh37_chr6:170591232-170592431; plus strand). Cytogenetic location: 6q27.
Variant type: single nucleotide variant.
Coding change: c.1968C>T on transcript NM_005618.4 (MANE Select); coding-DNA position 1968, C replaced by T.
Protein change: p.Asp656=; no amino-acid change (aspartic acid 656 retained).
Molecular consequence: synonymous variant.
Genome position (GRCh38, 1-based): chr6:170,283,311, G>A on the plus strand (C>T on the coding strand, the complement: DLL1 is on the minus strand). VCF-style: chr6-170283311-G-A. GRCh37 (hg19) VCF-style: chr6-170592399-G-A.
Identifiers: ClinVar variation 712913 (VCV000712913.25), dbSNP rs144070852, ClinGen allele CA4106668.